The following is an entry in ClinVar:

NM_001009944.3(PKD1):c.8279_8334delinsCGCCCATCCTCACGCGCTCCCGCGTGCTCAACGAGGAGCCCCTGACGCTGGCGGGT (p.Met2760_Met2764delinsThrProIleLeuThr)

Gene: PKD1 (polycystin 1, transient receptor potential channel interacting; minus strand). Cytogenetic location: 16p13.3.
Variant type: Indel.
Coding change: c.8279_8334delinsCGCCCATCCTCACGCGCTCCCGCGTGCTCAACGAGGAGCCCCTGACGCTGGCGGGT on transcript NM_001009944.3 (MANE Select); coding-DNA positions 8279 to 8334, the reference bases replaced by an inserted sequence.
Protein change: p.Met2760_Met2764delinsThrProIleLeuThr.
Molecular consequence: missense variant.
Genome position (GRCh38, 1-based): chr16:2,103,723-2,103,778, 56 bases replaced. GRCh37 (hg19): chr16:2,153,724-2,153,779.
Other names: c.8279_8334delinsCGCCCATCCTCACGCGCTCCCGCGTGCTCAACGAGGAGCCCCTGACGCTGGCGGGT, p.Met2760_Met2764delinsThrProIleLeuThr (NM_000296.4); c.8279_8334del56insCGCCCATCCTCACGCGCTCCCGCGTGCTCAACGAGGAGCCCCTGACGCTGGCGGGT, p.Met2760_Met2764delinsThrProIleLeuThr (NM_001009944.2).
Identifiers: ClinVar variation 1706882 (VCV001706882.2), dbSNP rs2544745492, ClinGen allele CA2580090978.

ClinVar aggregate classification (germline): Uncertain significance (1 of 4 stars; one submission).

Submission:

GeneDx
Classification: Uncertain significance. Last evaluated: 2023-02-17. Review status: criteria provided, single submitter. Criteria: GeneDx Variant Classification Process June 2021. Collection method: clinical testing. Allele origin: germline. Affected: yes.
Comment: Not observed at significant frequency in large population cohorts (gnomAD); In silico analysis supports a deleterious effect on protein structure/function; This variant is associated with the following publications: (PMID: 18791038, 9668165, 9285784, 33437033)